The following is an entry in ClinVar:

ClinVar aggregate classification (germline): Uncertain significance (1 of 4 stars; one submission).

Conditions:
Early-infantile DEE. Also called: Early infantile epileptic encephalopathy with suppression bursts; Early infantile epileptic encephalopathy; Ohtahara syndrome. Identifiers: Orphanet 1934, MedGen C0393706, MONDO:0800491.

Allele frequency attached by ClinVar (database versions not stated): gnomAD exomes below 0.00001; gnomAD 0.00001; TOPMed 0.00002.
gnomAD v4.1: 5 of 1,612,246 alleles (0.00031%); highest among the groups gnomAD compares: South Asian, 0.0022%; no homozygotes.

Submission:

Labcorp Genetics (formerly Invitae), Labcorp
Classification: Uncertain significance for Early-infantile DEE. Last evaluated: 2022-11-28. Review status: criteria provided, single submitter. Criteria: Invitae Variant Classification Sherloc (09022015). Collection method: clinical testing. Allele origin: germline.
Comment: In summary, the available evidence is currently insufficient to determine the role of this variant in disease. Therefore, it has been classified as a Variant of Uncertain Significance. Algorithms developed to predict the effect of missense changes on protein structure and function (SIFT, PolyPhen-2, Align-GVGD) all suggest that this variant is likely to be tolerated. This variant has not been reported in the literature in individuals affected with KCNQ2-related conditions. This variant is not present in population databases (gnomAD no frequency). This sequence change replaces arginine, which is basic and polar, with histidine, which is basic and polar, at codon 489 of the KCNQ2 protein (p.Arg489His).

NM_172107.4(KCNQ2):c.1466G>A (p.Arg489His)

Gene: KCNQ2 (potassium voltage-gated channel subfamily Q member 2; minus strand). Cytogenetic location: 20q13.33.
Variant type: single nucleotide variant.
Coding change: c.1466G>A on transcript NM_172107.4 (MANE Select); coding-DNA position 1466, G replaced by A.
Protein change: p.Arg489His; replaces arginine 489 with histidine.
Molecular consequence: missense variant.
Genome position (GRCh38, 1-based): chr20:63,414,962, C>T on the plus strand (G>A on the coding strand, the complement: KCNQ2 is on the minus strand). VCF-style: chr20-63414962-C-T. GRCh37 (hg19) VCF-style: chr20-62046315-C-T.
Other names: c.1412G>A, p.Arg471His (NM_001382235.1, NM_172106.3); c.1382G>A, p.Arg461His (NM_004518.6); c.1376G>A, p.Arg459His (NM_172108.5); short protein forms R459H, R471H, R489H, R461H.
Identifiers: ClinVar variation 2201692 (VCV002201692.4), dbSNP rs988208315, ClinGen allele CA317430991.